The following is an entry in ClinVar:

NM_000455.5(STK11):c.375-19T>G

Gene: STK11 (serine/threonine kinase 11; plus strand). Cytogenetic location: 19p13.3.
Variant type: single nucleotide variant.
Coding change: c.375-19T>G on transcript NM_000455.5 (MANE Select); 19 bases into the intron before coding-DNA position 375, T replaced by G.
Molecular consequence: intron variant.
Genome position (GRCh38, 1-based): chr19:1,219,305, T>G. VCF-style: chr19-1219305-T-G. GRCh37 (hg19) VCF-style: chr19-1219304-T-G.
Other names: c.375-19T>G (NM_001407255.1).
Identifiers: ClinVar variation 3643874 (VCV003643874.2).

ClinVar aggregate classification (germline): Uncertain significance (1 of 4 stars; one submission).

Conditions:
Peutz-Jeghers syndrome (PJS). Also called: POLYPOSIS, HAMARTOMATOUS INTESTINAL; POLYPS-AND-SPOTS SYNDROME; Peutz-Jeghers polyposis; Periorificial lentiginosis syndrome. Identifiers: Orphanet 2869, MedGen C0031269, MeSH D010580, MONDO:0008280, OMIM 175200.

Submission:

Labcorp Genetics (formerly Invitae), Labcorp
Classification: Uncertain significance for Peutz-Jeghers syndrome. Last evaluated: 2024-03-01. Review status: criteria provided, single submitter. Criteria: Invitae Variant Classification Sherloc (09022015). Collection method: clinical testing. Allele origin: germline.
Comment: This sequence change falls in intron 2 of the STK11 gene. It does not directly change the encoded amino acid sequence of the STK11 protein. This variant is not present in population databases (gnomAD no frequency). This variant has not been reported in the literature in individuals affected with STK11-related conditions. Algorithms developed to predict the effect of sequence changes on RNA splicing suggest that this variant may disrupt the consensus splice site. In summary, the available evidence is currently insufficient to determine the role of this variant in disease. Therefore, it has been classified as a Variant of Uncertain Significance.